The following is an entry in ClinVar:

ClinVar aggregate classification (germline): Uncertain significance (1 of 4 stars; one submission).

Allele frequency attached by ClinVar (database versions not stated): gnomAD exomes below 0.00001; ExAC 0.00001; gnomAD 0.00001.
gnomAD v4.1: 8 of 1,613,312 alleles (0.0005%); highest among the groups gnomAD compares: Non-Finnish European, 0.00068%; no homozygotes.

Submission:

Labcorp Genetics (formerly Invitae), Labcorp
Classification: Uncertain significance. Last evaluated: 2022-08-15. Review status: criteria provided, single submitter. Criteria: Invitae Variant Classification Sherloc (09022015). Collection method: clinical testing. Allele origin: germline.
Comment: In summary, the available evidence is currently insufficient to determine the role of this variant in disease. Therefore, it has been classified as a Variant of Uncertain Significance. Algorithms developed to predict the effect of missense changes on protein structure and function are either unavailable or do not agree on the potential impact of this missense change (SIFT: "Not Available"; PolyPhen-2: "Probably Damaging"; Align-GVGD: "Not Available"). ClinVar contains an entry for this variant (Variation ID: 1357658). This variant has not been reported in the literature in individuals affected with CTSB-related conditions. This variant is present in population databases (rs768691054, gnomAD 0.0009%). This sequence change replaces isoleucine, which is neutral and non-polar, with methionine, which is neutral and non-polar, at codon 243 of the CTSB protein (p.Ile243Met).

NM_001908.5(CTSB):c.729C>G (p.Ile243Met)

Gene: CTSB (cathepsin B). Cytogenetic location: 8p23.1.
Variant type: single nucleotide variant.
Coding change: c.729C>G on transcript NM_001908.5 (MANE Select); coding-DNA position 729, C replaced by G.
Protein change: p.Ile243Met; replaces isoleucine 243 with methionine.
Molecular consequence: missense variant.
Genome position (GRCh38, 1-based): chr8:11,847,116, G>C on the plus strand (C>G on the coding strand, the complement: CTSB is on the minus strand). VCF-style: chr8-11847116-G-C. GRCh37 (hg19) VCF-style: chr8-11704625-G-C.
Other names: c.357C>G, p.Ile119Met (NM_001317237.2); c.729C>G, p.Ile243Met (NM_001384714.1, NM_001384723.1, NM_001384724.1 and 8 more transcripts); short protein forms I119M, I243M.
Identifiers: ClinVar variation 1357658 (VCV001357658.6), dbSNP rs768691054, ClinGen allele CA4632566.